The following is an entry in ClinVar:

ClinVar aggregate classification (germline): Benign/Likely benign. Review status: criteria provided, single submitter (1 of 4 stars). 3 submissions from 1 submitter: Benign (2); Likely benign (1). Last evaluated 2018-01-12.

Conditions:
3-Methylglutaconic aciduria type 2 (BTHS). Also called: CARDIOSKELETAL MYOPATHY WITH NEUTROPENIA AND ABNORMAL MITOCHONDRIA; Barth syndrome. Identifiers: Orphanet 111, MedGen C0574083, MONDO:0010543, OMIM 302060.
Endocardial fibroelastosis (EFE). Identifiers: Orphanet 2022, MedGen C0014117, MONDO:0009169, OMIM 226000, HP:0001706.
Primary dilated cardiomyopathy (DCM). Also called: Dilated Cardiomyopathy. Identifiers: Orphanet 217604, MedGen C0007193, MeSH D002311, MONDO:0005021, HP:0001644. Inheritance: Various modes of inheritance.

Allele frequency attached by ClinVar (database versions not stated): 1000 Genomes Project 30x 0.00021; 1000 Genomes Project 0.00053; ExAC 0.00061; gnomAD exomes 0.00069 and 0.00092; TOPMed 0.00073; gnomAD 0.00093 and 0.00094.
gnomAD v4.1: 302 of 329,542 alleles (0.092%); highest among the groups gnomAD compares: Non-Finnish European, 0.14%; no homozygotes.

Submissions (3):

Illumina Laboratory Services, Illumina
Classification: Benign for 3-Methylglutaconic aciduria type 2. Last evaluated: 2018-01-12. Review status: criteria provided, single submitter. Criteria: ICSL Variant Classification Criteria 13 December 2019. Collection method: clinical testing. Allele origin: germline.
Comment: This variant was observed in the ICSL laboratory as part of a predisposition screen in an ostensibly healthy population. It had not been previously curated by ICSL or reported in the Human Gene Mutation Database (HGMD: prior to June 1st, 2018), and was therefore a candidate for classification through an automated scoring system. Utilizing variant allele frequency, disease prevalence and penetrance estimates, and inheritance mode, an automated score was calculated to assess if this variant is too frequent to cause the disease. Based on the score and internal cut-off values, a variant classified as benign is not then subjected to further curation. The score for this variant resulted in a classification of benign for this disease.

Illumina Laboratory Services, Illumina
Classification: Benign for Endocardial fibroelastosis. Last evaluated: 2018-01-12. Review status: criteria provided, single submitter. Criteria: ICSL Variant Classification Criteria 13 December 2019. Collection method: clinical testing. Allele origin: germline.
Comment: the same text as in the submission from Illumina Laboratory Services, Illumina above.

Illumina Laboratory Services, Illumina
Classification: Likely benign for Primary dilated cardiomyopathy. Last evaluated: 2018-01-12. Review status: criteria provided, single submitter. Criteria: ICSL Variant Classification Criteria 13 December 2019. Collection method: clinical testing. Allele origin: germline.
Comment: This variant was observed in the ICSL laboratory as part of a predisposition screen in an ostensibly healthy population. It had not been previously curated by ICSL or reported in the Human Gene Mutation Database (HGMD: prior to June 1st, 2018), and was therefore a candidate for classification through an automated scoring system. Utilizing variant allele frequency, disease prevalence and penetrance estimates, and inheritance mode, an automated score was calculated to assess if this variant is too frequent to cause the disease. Based on the score and internal cut-off values, a variant classified as likely benign is not then subjected to further curation. The score for this variant resulted in a classification of likely benign for this disease.

NM_000116.5(TAFAZZIN):c.*560G>A

Gene: TAFAZZIN (tafazzin, phospholipid-lysophospholipid transacylase; plus strand). Cytogenetic location: Xq28.
Variant type: single nucleotide variant.
Coding change: c.*560G>A on transcript NM_000116.5 (MANE Select); 560 bases downstream of the stop codon, G replaced by A.
Molecular consequence: 3 prime UTR variant. On other transcripts: non-coding transcript variant (1).
Genome position (GRCh38, 1-based): chrX:154,421,564, G>A. VCF-style: chrX-154421564-G-A. GRCh37 (hg19) VCF-style: chrX-153649903-G-A.
Other names: c.*560G>A (NM_001303465.2, NM_181311.4, NM_181312.4 and 1 more transcripts).
Identifiers: ClinVar variation 368092 (VCV000368092.6), dbSNP rs782808430, ClinGen allele CA10562489.